The following is an entry in ClinVar:

NM_002661.5(PLCG2):c.2307+4C>T

Gene: PLCG2 (phospholipase C gamma 2; plus strand). Cytogenetic location: 16q23.3.
Variant type: single nucleotide variant.
Coding change: c.2307+4C>T on transcript NM_002661.5 (MANE Select); 4 bases into the intron after coding-DNA position 2307, C replaced by T.
Molecular consequence: intron variant.
Genome position (GRCh38, 1-based): chr16:81,921,273, C>T. VCF-style: chr16-81921273-C-T. GRCh37 (hg19) VCF-style: chr16-81954878-C-T.
Identifiers: ClinVar variation 641186 (VCV000641186.10), dbSNP rs745912221, ClinGen allele CA8194165.

ClinVar aggregate classification (germline): Uncertain significance. Review status: criteria provided, multiple submitters, no conflicts (2 of 4 stars). 2 submissions from 2 submitters: Uncertain significance (2). Last evaluated 2024-10-16.

Conditions:
Familial cold autoinflammatory syndrome 3 (FCAS3). Also called: FAMILIAL ATYPICAL COLD URTICARIA; ANTIBODY DEFICIENCY AND IMMUNE DYSREGULATION, PLCG2-ASSOCIATED. Identifiers: Orphanet 300359, MedGen C3280914, MONDO:0013766, OMIM 614468.
Autoinflammation-PLCG2-associated antibody deficiency-immune dysregulation. Also called: Autoinflammation, antibody deficiency, and immune dysregulation, plcg2-associated; AUTOINFLAMMATION, ANTIBODY DEFICIENCY, AND IMMUNE DYSREGULATION; Autoinflammation, antibody deficiency, and immune dysregulation syndrome. Identifiers: Orphanet 324530, MedGen C3553961, MONDO:0013944, OMIM 614878.

Allele frequency attached by ClinVar (database versions not stated): gnomAD exomes 0.00002 and 0.00004; TOPMed 0.00003; ExAC 0.00004.
gnomAD v4.1: 36 of 1,590,238 alleles (0.0023%); highest among the groups gnomAD compares: South Asian, 0.012%; no homozygotes.

Submissions (2):

Labcorp Genetics (formerly Invitae), Labcorp
Classification: Uncertain significance for Familial cold autoinflammatory syndrome 3. Last evaluated: 2024-10-16. Review status: criteria provided, single submitter. Criteria: Invitae Variant Classification Sherloc (09022015). Collection method: clinical testing. Allele origin: germline.
Comment: This sequence change falls in intron 21 of the PLCG2 gene. It does not directly change the encoded amino acid sequence of the PLCG2 protein. It affects a nucleotide within the consensus splice site. This variant is present in population databases (rs745912221, gnomAD 0.02%). This variant has not been reported in the literature in individuals affected with PLCG2-related conditions. ClinVar contains an entry for this variant (Variation ID: 641186). Variants that disrupt the consensus splice site are a relatively common cause of aberrant splicing (PMID: 17576681, 9536098). Algorithms developed to predict the effect of sequence changes on RNA splicing suggest that this variant is not likely to affect RNA splicing. In summary, the available evidence is currently insufficient to determine the role of this variant in disease. Therefore, it has been classified as a Variant of Uncertain Significance.

Fulgent Genetics
Classification: Uncertain significance for Familial cold autoinflammatory syndrome 3; Autoinflammation-PLCG2-associated antibody deficiency-immune dysregulation. Last evaluated: 2021-07-22. Review status: criteria provided, single submitter. Criteria: ACMG Guidelines, 2015. Collection method: clinical testing. Allele origin: unknown.

Literature cited by the submitters: PubMed 17576681 (cited by Labcorp Genetics (formerly Invitae), Labcorp); PubMed 9536098 (cited by Labcorp Genetics (formerly Invitae), Labcorp).